The following is an entry in ClinVar:

NM_030805.4(LMAN2L):c.478A>G (p.Thr160Ala)

Gene: LMAN2L (lectin, mannose binding 2 like; minus strand). Cytogenetic location: 2q11.2.
Variant type: single nucleotide variant.
Coding change: c.478A>G on transcript NM_030805.4 (MANE Select); coding-DNA position 478, A replaced by G.
Protein change: p.Thr160Ala; replaces threonine 160 with alanine.
Molecular consequence: missense variant. On other transcripts: intron variant (5).
Genome position (GRCh38, 1-based): chr2:96,733,548, T>C on the plus strand (A>G on the coding strand, the complement: LMAN2L is on the minus strand). VCF-style: chr2-96733548-T-C. GRCh37 (hg19) VCF-style: chr2-97399285-T-C.
Other names: c.478A>G, p.Thr160Ala (NM_001142292.2); c.64A>G, p.Thr22Ala (NM_001322347.2, NM_001322350.2, NM_001322352.2); c.72+861A>G (NM_001322351.2, NM_001322356.2, NM_001322346.2 and 2 more transcripts); short protein forms T160A, T22A.
Identifiers: ClinVar variation 4849101 (VCV004849101.1).

ClinVar aggregate classification (germline): Uncertain significance (1 of 4 stars; one submission).

gnomAD v4.1: 1 of 1,613,970 alleles (0.000062%); highest among the groups gnomAD compares: Non-Finnish European, 0.000085%; no homozygotes.

Submission:

Women's Health and Genetics/Laboratory Corporation of America, LabCorp
Classification: Uncertain significance. Last evaluated: 2026-04-24. Review status: criteria provided, single submitter. Criteria: LabCorp Variant Classification Summary - May 2015. Collection method: clinical testing. Allele origin: germline.
Comment: Variant summary: LMAN2L c.478A>G (p.Thr160Ala) results in a non-conservative amino acid change in the encoded protein sequence. Algorithms developed to predict the effect of missense changes on protein structure and function all suggest that this variant is likely to be disruptive. The variant was absent in 251398 control chromosomes. The available data on variant occurrences in the general population are insufficient to allow any conclusion about variant significance. To our knowledge, no occurrence of c.478A>G in individuals affected with LMAN2L-related conditions and no experimental evidence demonstrating its impact on protein function have been reported. No submitters have cited clinical-significance assessments for this variant to ClinVar. Based on the evidence outlined above, the variant was classified as uncertain significance.